The following is an entry in ClinVar:

ClinVar aggregate classification (germline): Pathogenic (1 of 4 stars; one submission).

Submission:

Labcorp Genetics (formerly Invitae), Labcorp
Classification: Pathogenic. Last evaluated: 2024-09-05. Review status: criteria provided, single submitter. Criteria: Invitae Variant Classification Sherloc (09022015). Collection method: clinical testing. Allele origin: germline.
Comment: This sequence change creates a premature translational stop signal (p.Glu10*) in the NAA15 gene. It is expected to result in an absent or disrupted protein product. Loss-of-function variants in NAA15 are known to be pathogenic (PMID: 28191889, 29656860). This variant is not present in population databases (gnomAD no frequency). This variant has not been reported in the literature in individuals affected with NAA15-related conditions. ClinVar contains an entry for this variant (Variation ID: 2020770). For these reasons, this variant has been classified as Pathogenic.

Literature cited by the submitters: PubMed 28191889; PubMed 29656860.

NM_057175.5(NAA15):c.28G>T (p.Glu10Ter)

Genes: NAA15 (N-alpha-acetyltransferase 15, NatA auxiliary subunit; plus strand), NDUFC1 (NADH:ubiquinone oxidoreductase subunit C1; minus strand). Cytogenetic location: 4q31.1.
Variant type: single nucleotide variant.
Coding change: c.28G>T on transcript NM_057175.5 (MANE Select); coding-DNA position 28, G replaced by T.
Protein change: p.Glu10Ter; replaces glutamic acid 10 with a stop codon.
Molecular consequence: nonsense. On other transcripts: intron variant (4).
Genome position (GRCh38, 1-based): chr4:139,301,805, G>T. VCF-style: chr4-139301805-G-T. GRCh37 (hg19) VCF-style: chr4-140222959-G-T.
Other names: c.28G>T, p.Glu10Ter (NM_001410842.1); c.-159+611C>A (NM_001184990.1); c.-163+611C>A (NM_001184987.1); c.-199+611C>A (NM_001184988.1); c.-222+611C>A (NM_001184989.2); short protein forms E10*.
Identifiers: ClinVar variation 2020770 (VCV002020770.4), dbSNP rs2530259419, ClinGen allele CA358253217.
Genomic context (GRCh38, chr4:139,301,805, plus strand): 5'-GTGGTGGCGGGAGCAGCGGGAGCAGCCGGAACGATGCCGGCCGTGAGCCTCCCGCCCAAG[G>T]AGAATGCGCTCTTCAAGCGGATCTTGGTAAGTGTGAGGCTCCGGGCAAGCGGTGGGGAGG-3'